The following is an entry in ClinVar:

NM_001042492.3(NF1):c.2024G>C (p.Gly675Ala)

Gene: NF1 (neurofibromin 1; plus strand). Cytogenetic location: 17q11.2.
Variant type: single nucleotide variant.
Coding change: c.2024G>C on transcript NM_001042492.3 (MANE Select); coding-DNA position 2024, G replaced by C.
Protein change: p.Gly675Ala; replaces glycine 675 with alanine.
Molecular consequence: missense variant.
Genome position (GRCh38, 1-based): chr17:31,226,457, G>C. VCF-style: chr17-31226457-G-C. GRCh37 (hg19) VCF-style: chr17-29553475-G-C.
Other names: c.2024G>C, p.Gly675Ala (NM_000267.4); short protein forms G675A.
Identifiers: ClinVar variation 3404869 (VCV003404869.1).

ClinVar aggregate classification (germline): Uncertain significance (1 of 4 stars; one submission).

Conditions:
Hereditary cancer-predisposing syndrome. Also called: Hereditary Cancer Syndrome; Tumor predisposition; Hereditary neoplastic syndrome; Neoplastic Syndromes, Hereditary. Identifiers: Orphanet 140162, MedGen C0027672, MeSH D009386, MONDO:0015356.
Cardiovascular phenotype. Identifiers: MedGen CN230736.

Submission:

Ambry Genetics
Classification: Uncertain significance for Cardiovascular phenotype; Hereditary cancer-predisposing syndrome. Last evaluated: 2024-10-26. Review status: criteria provided, single submitter. Criteria: Ambry Variant Classification Scheme 2023. Collection method: clinical testing. Allele origin: germline.
Comment: The p.G675A variant (also known as c.2024G>C), located in coding exon 18 of the NF1 gene, results from a G to C substitution at nucleotide position 2024. The glycine at codon 675 is replaced by alanine, an amino acid with similar properties. This amino acid position is conserved. In addition, this alteration is predicted to be tolerated by in silico analysis. Based on the available evidence, the clinical significance of this variant remains unclear.